The following is an entry in ClinVar:

NM_001242896.3(DEPDC5):c.1264C>T (p.Arg422Ter)

Gene: DEPDC5 (DEP domain containing 5, GATOR1 subcomplex subunit; plus strand). Cytogenetic location: 22q12.3.
Variant type: single nucleotide variant.
Coding change: c.1264C>T on transcript NM_001242896.3 (MANE Select); coding-DNA position 1264, C replaced by T.
Protein change: p.Arg422Ter; replaces arginine 422 with a stop codon.
Molecular consequence: nonsense. On other transcripts: non-coding transcript variant (5).
Genome position (GRCh38, 1-based): chr22:31,806,168, C>T. VCF-style: chr22-31806168-C-T. GRCh37 (hg19) VCF-style: chr22-32202154-C-T.
Other names: c.1264C>T, p.Arg422Ter (NM_001007188.4, NM_001136029.4, NM_001242897.2 and 7 more transcripts); c.1180C>T, p.Arg394Ter (NM_001369901.1, NM_001369902.1); short protein forms R422*, R394*.
Identifiers: ClinVar variation 264730 (VCV000264730.20), dbSNP rs757511744, ClinGen allele CA10588038.

ClinVar aggregate classification (germline): Pathogenic. Review status: criteria provided, multiple submitters, no conflicts (2 of 4 stars). 7 submissions from 7 submitters: Pathogenic (5). 2 of the submissions do not count toward it. Last evaluated 2025-09-05.

Conditions:
Familial focal epilepsy with variable foci (FPEVF). Identifiers: Orphanet 98820, MedGen C1858477, MONDO:0020310.
Epilepsy, familial focal, with variable foci 1 (FFEVF1). Also called: DEPDC5-Related Epilepsy. Identifiers: MedGen C4551983, MONDO:0024556, OMIM 604364.

Submissions (7):

GeneDx
Classification: Pathogenic. Last evaluated: 2025-09-05. Review status: criteria provided, single submitter. Criteria: GeneDx Variant Classification Process June 2021. Collection method: clinical testing. Allele origin: germline. Affected: yes.
Comment: Nonsense variant predicted to result in protein truncation or nonsense mediated decay in a gene for which loss of function is a known mechanism of disease; Identified in multiple unrelated patients with epilepsy referred for genetic testing at GeneDx and in published literature (PMID: 25623524, 26505888, 30093711, 31835056); Published functional studies show that p.(R422*) does not produce DEPDC5 protein and results in a loss in mTOR inhibition, demonstrating a damaging effect (PMID: 36604176); Not observed at significant frequency in large population cohorts (gnomAD); This variant is associated with the following publications: (PMID: 31101064, 31835056, 26505888, 30093711, 30485578, 34803415, 34120799, 33461085, 35163267, 35231114, 34055363, 34693554, 25623524, 30911571, 38444904, 36604176)

Laboratory of Medical Genetics, National & Kapodistrian University of Athens
Classification: Pathogenic for Epilepsy, familial focal, with variable foci 1. Last evaluated: 2024-06-05. Review status: criteria provided, single submitter. Criteria: ACMG Guidelines, 2015. Collection method: clinical testing. Allele origin: germline. Affected: yes.
Comment: PVS1, PS3, PM2, PP5 - The variant is expected to result in an absent or disrupted protein product. This variant has been reported in ClinVar as Pathogenic by other laboratories (Variation ID: 264730). Not observed in large population cohorts (gnomAD no frequency). It has been previously reported as causative (PMID: 25623524, 30093711)

Labcorp Genetics (formerly Invitae), Labcorp
Classification: Pathogenic for Familial focal epilepsy with variable foci. Last evaluated: 2024-03-15. Review status: criteria provided, single submitter. Criteria: Invitae Variant Classification Sherloc (09022015). Collection method: clinical testing. Allele origin: germline.
Comment: This sequence change creates a premature translational stop signal (p.Arg422*) in the DEPDC5 gene. It is expected to result in an absent or disrupted protein product. Loss-of-function variants in DEPDC5 are known to be pathogenic (PMID: 23542697, 23542701). This variant is not present in population databases (gnomAD no frequency). This premature translational stop signal has been observed in individuals with clinical features of DEPDC5-related conditions (PMID: 25623524, 26505888, 30093711). It has also been observed to segregate with disease in related individuals. ClinVar contains an entry for this variant (Variation ID: 264730). For these reasons, this variant has been classified as Pathogenic.

Victorian Clinical Genetics Services, Murdoch Childrens Research Institute
Classification: Pathogenic for Epilepsy, familial focal, with variable foci 1. Last evaluated: 2022-02-02. Review status: criteria provided, single submitter. Criteria: ACMG Guidelines, 2015. Collection method: clinical testing. Allele origin: germline. Inheritance: Autosomal dominant inheritance. Affected: yes.
Comment: Based on the classification scheme VCGS_Germline_v1.3.4, this variant is classified as Pathogenic. Following criteria are met: 0102 - Loss of function is a known mechanism of disease in this gene and is associated with familial focal epilepsy with variable foci 1 (MIM#604364). (I) 0107 - This gene is associated with autosomal dominant disease. (I) 0112 - The condition associated with this gene has incomplete penetrance. Unaffected individuals with pathogenic familial variants are commonly reported, with penetrance estimated to be between 66% and 70% (PMIDs: 30767899, 32848577). (I) 0115 - Variants in this gene are known to have variable expressivity. Disease presentation in affected individuals is known to vary considerably even within the same family, from mild febrile seizures to severe focal epilepsy with cortical malformations (PMIDs: 27066554, 32848577). (I) 0201 - Variant is predicted to cause nonsense-mediated decay (NMD) and loss of protein (premature termination codon is located at least 54 nucleotides upstream of the final exon-exon junction). (SP) 0251 - This variant is heterozygous. (I) 0301 - Variant is absent from gnomAD (both v2 and v3). (SP) 0701 - Other null variants comparable to the one identified in this case have very strong previous evidence for pathogenicity. There are at least nine NMD-predicted variants that have been reported as likely pathogenic or pathogenic (ClinVar). (SP) 0801 - This variant has strong previous evidence of pathogenicity in unrelated individuals. This variant has been reported in five individuals with drug-resistant focal epilepsy with focal cortical dysplasia, focal epilepsy or epilepsy (PMIDs: 25623524, 30093711; ClinVar). (SP) 1208 - Inheritance information for this variant is not currently available in this individual. (I) Legend: (SP) - Supporting pathogenic, (I) - Information, (SB) - Supporting benign

Center for Genomics, Ann and Robert H. Lurie Children's Hospital of Chicago
Classification: Pathogenic for Epilepsy, familial focal, with variable foci 1. Last evaluated: 2021-03-30. Review status: criteria provided, single submitter. Criteria: ACMG Guidelines, 2015. Collection method: clinical testing. Allele origin: germline.
Comment: DEPDC5 NM_001242896.1 exon 18 p.Arg422* (c.1264C>T): This variant has been reported in the literature in 1 individual with focal epilepsy (Baulac 2015 PMID:25623524). This variant is not present in large control databases. This variant is present in ClinVar (Variation ID:264730). Evolutionary conservation and computational predictive tools for this variant are limited or unavailable. This variant creates a premature stop at this codon which results in an absent or abnormal protein. Loss of function variants have been reported in association with disease for this gene (Baulac 2016 PMID:27683934). Therefore, this variant classified as pathogenic.

Cytogénomique, Hospices Civils de Lyon
Classification: Pathogenic for Epilepsy, familial focal, with variable foci 1. Review status: no assertion criteria provided. Collection method: clinical testing. Allele origin: unknown. Inheritance: Autosomal dominant inheritance. Affected: yes. Not counted in ClinVar's aggregate classification.

GeneReviews
No classification provided. Condition: Epilepsy, familial focal, with variable foci 1. Review status: no classification provided. Collection method: literature only. Allele origin: germline. Not counted in ClinVar's aggregate classification.

Literature cited by the submitters: PubMed 23542697 (cited by Labcorp Genetics (formerly Invitae), Labcorp); PubMed 23542701 (cited by Labcorp Genetics (formerly Invitae), Labcorp); PubMed 25623524 (cited by 3 submitters); PubMed 26505888 (cited by Labcorp Genetics (formerly Invitae), Labcorp and GeneReviews); PubMed 30093711 (cited by Labcorp Genetics (formerly Invitae), Labcorp and Victorian Clinical Genetics Services, Murdoch Childrens Research Institute); PubMed 27066554 (cited by Victorian Clinical Genetics Services, Murdoch Childrens Research Institute); PubMed 30767899 (cited by Victorian Clinical Genetics Services, Murdoch Childrens Research Institute); PubMed 32848577 (cited by Victorian Clinical Genetics Services, Murdoch Childrens Research Institute); NCBI Bookshelf NBK385626 (cited by GeneReviews).